The following is an entry in ClinVar:

ClinVar aggregate classification (germline): Uncertain significance (1 of 4 stars; one submission).

Submission:

GeneDx
Classification: Uncertain significance. Last evaluated: 2022-05-25. Review status: criteria provided, single submitter. Criteria: GeneDx Variant Classification Process June 2021. Collection method: clinical testing. Allele origin: germline. Affected: yes.
Comment: Not observed at significant frequency in large population cohorts (gnomAD); Frameshift variant predicted to result in protein truncation as the last 84 amino acids are replaced with 19 different amino acids, although loss-of-function variants have not been reported downstream of this position in the protein; Has not been previously published as pathogenic or benign to our knowledge; Variants in candidate genes are classified as variants of uncertain significance in accordance with ACMG guidelines (Richards et al., 2015)

NM_001470.4(GABBR1):c.2631dup (p.Ser878fs)

Gene: GABBR1 (gamma-aminobutyric acid type B receptor subunit 1; minus strand). Cytogenetic location: 6p22.1.
Variant type: Duplication.
Coding change: c.2631dup on transcript NM_001470.4 (MANE Select); coding-DNA position 2631, one base duplicated (G; older notation c.2631dupG).
Protein change: p.Ser878fs; shifts the reading frame from serine 878.
Molecular consequence: frameshift variant.
Genome position (GRCh38, 1-based): chr6:29,604,575, C duplicated on the plus strand (G on the coding strand, the reverse complement: GABBR1 is on the minus strand); the first of 3 consecutive C bases (chr6:29,604,575-29,604,577); duplicating any one gives the same sequence. VCF-style (leftmost placement, unchanged base first): chr6-29604574-A-AC. GRCh37 (hg19) VCF-style: chr6-29572351-A-AC.
Other names: c.2100dup, p.Ser701fs (NM_001319053.2); c.2280dup, p.Ser761fs (NM_021903.3); c.2445dup, p.Ser816fs (NM_021904.4); short protein forms S701fs, S761fs, S816fs, S878fs.
Identifiers: ClinVar variation 2446609 (VCV002446609.1), dbSNP rs2482647074, ClinGen allele CA2580074260.